The following is an entry in ClinVar:

ClinVar aggregate classification (germline): Likely benign. Review status: criteria provided, multiple submitters, no conflicts (2 of 4 stars). 2 submissions from 2 submitters: Likely benign (2). Last evaluated 2025-07-24.

Conditions:
MYO5B-related disorder. Also called: MYO5B-related condition.

Allele frequency attached by ClinVar (database versions not stated): ExAC 0.00005; TOPMed 0.00011; ESP Exome Variant Server 0.00017.
gnomAD v4.1: 13 of 1,607,860 alleles (0.00081%); highest among the groups gnomAD compares: African/African-American, 0.012%; no homozygotes.

Submissions (2):

PreventionGenetics, part of Exact Sciences
Classification: Likely benign for MYO5B-related condition. Last evaluated: 2025-07-24. Review status: criteria provided, single submitter. Criteria: ACMG Guidelines, 2015. Collection method: clinical testing. Allele origin: germline.
Comment: This variant is classified as likely benign based on ACMG/AMP sequence variant interpretation guidelines (Richards et al. 2015 PMID: 25741868, with internal and published modifications).

Labcorp Genetics (formerly Invitae), Labcorp
Classification: Likely benign. Last evaluated: 2025-07-13. Review status: criteria provided, single submitter. Criteria: Invitae Variant Classification Sherloc (09022015). Collection method: clinical testing. Allele origin: germline.

NM_001080467.3(MYO5B):c.5383C>A (p.Arg1795=)

Genes: MYO5B (myosin VB; minus strand), SNHG22 (small nucleolar RNA host gene 22; plus strand). Cytogenetic location: 18q21.1.
Variant type: single nucleotide variant.
Coding change: c.5383C>A on transcript NM_001080467.3 (MANE Select); coding-DNA position 5383, C replaced by A.
Protein change: p.Arg1795=; no amino-acid change (arginine 1795 retained).
Molecular consequence: synonymous variant.
Genome position (GRCh38, 1-based): chr18:49,835,355, G>T on the plus strand (C>A on the coding strand, the complement: MYO5B is on the minus strand). VCF-style: chr18-49835355-G-T. GRCh37 (hg19) VCF-style: chr18-47361725-G-T.
Other names: c.5383C>A (NM_001080467.2).
Identifiers: ClinVar variation 1909814 (VCV001909814.6), dbSNP rs377364712, ClinGen allele CA8960064.